The following is an entry in ClinVar:

ClinVar aggregate classification (germline): Uncertain significance (1 of 4 stars; one submission).

gnomAD v4.1: 1 of 1,613,716 alleles (0.000062%); highest among the groups gnomAD compares: Non-Finnish European, 0.000085%; no homozygotes.

Submission:

Labcorp Genetics (formerly Invitae), Labcorp
Classification: Uncertain significance. Last evaluated: 2025-09-04. Review status: criteria provided, single submitter. Criteria: Invitae Variant Classification Sherloc (09022015). Collection method: clinical testing. Allele origin: germline.
Comment: This sequence change replaces isoleucine, which is neutral and non-polar, with valine, which is neutral and non-polar, at codon 204 of the LIPG protein (p.Ile204Val). This variant is present in population databases (no rsID available, gnomAD 0.0009%). This variant has not been reported in the literature in individuals affected with LIPG-related conditions. An algorithm developed to predict the effect of missense changes on protein structure and function outputs the following: PolyPhen-2: "Benign". The valine amino acid residue is found in multiple mammalian species, which suggests that this missense change does not adversely affect protein function. In summary, the available evidence is currently insufficient to determine the role of this variant in disease. Therefore, it has been classified as a Variant of Uncertain Significance.

NM_006033.4(LIPG):c.610A>G (p.Ile204Val)

Gene: LIPG (lipase G, endothelial type; plus strand). Cytogenetic location: 18q21.1.
Variant type: single nucleotide variant.
Coding change: c.610A>G on transcript NM_006033.4 (MANE Select); coding-DNA position 610, A replaced by G.
Protein change: p.Ile204Val; replaces isoleucine 204 with valine.
Molecular consequence: missense variant. On other transcripts: intron variant (1).
Genome position (GRCh38, 1-based): chr18:49,575,407, A>G. VCF-style: chr18-49575407-A-G. GRCh37 (hg19) VCF-style: chr18-47101777-A-G.
Other names: c.571+5859A>G (NM_001308006.2); short protein forms I204V.
Identifiers: ClinVar variation 4726641 (VCV004726641.1).